The following is an entry in ClinVar:

ClinVar aggregate classification (germline): Conflicting classifications of pathogenicity. Review status: criteria provided, conflicting classifications (1 of 4 stars). 4 submissions from 4 submitters: Uncertain significance (2); Likely benign (1). 1 of the submissions does not count toward it. Last evaluated 2026-08-10.

Conditions:
MAGEL2-related disorder. Also called: MAGEL2-related condition.
Inborn genetic diseases. Identifiers: MedGen C0950123, MeSH D030342.

Allele frequency attached by ClinVar (database versions not stated): 1000 Genomes Project 30x 0.00031; 1000 Genomes Project 0.00040.
gnomAD v4.1: 76 of 1,587,908 alleles (0.0048%); highest among the groups gnomAD compares: East Asian, 0.034%; no homozygotes.

Submissions (4):

PreventionGenetics, part of Exact Sciences
Classification: Uncertain significance for MAGEL2-related condition. Last evaluated: 2026-08-10. Review status: criteria provided, single submitter. Criteria: ACMG Guidelines, 2015. Collection method: clinical testing. Allele origin: germline.
Comment: The MAGEL2 c.1922C>G variant is predicted to result in the amino acid substitution p.Pro641Arg. To our knowledge, this variant has not been reported in the literature. This variant is reported in 0.062% of alleles in individuals of East Asian descent in gnomAD. Although we suspect that this variant may be benign, at this time, the clinical significance of this variant is uncertain due to the absence of conclusive functional and genetic evidence.

Labcorp Genetics (formerly Invitae), Labcorp
Classification: Uncertain significance. Last evaluated: 2025-12-05. Review status: criteria provided, single submitter. Criteria: Invitae Variant Classification Sherloc (09022015). Collection method: clinical testing. Allele origin: germline.
Comment: This sequence change replaces proline, which is neutral and non-polar, with arginine, which is basic and polar, at codon 641 of the MAGEL2 protein (p.Pro641Arg). This variant is present in population databases (rs556296973, gnomAD 0.07%), and has an allele count higher than expected for a pathogenic variant. This variant has not been reported in the literature in individuals affected with MAGEL2-related conditions. ClinVar contains an entry for this variant (Variation ID: 1049948). Invitae Evidence Modeling of protein sequence and biophysical properties (such as structural, functional, and spatial information, amino acid conservation, physicochemical variation, residue mobility, and thermodynamic stability) indicates that this missense variant is not expected to disrupt MAGEL2 protein function with a negative predictive value of 80%. In summary, the available evidence is currently insufficient to determine the role of this variant in disease. Therefore, it has been classified as a Variant of Uncertain Significance.

Ambry Genetics
Classification: Likely benign for Inborn genetic diseases. Last evaluated: 2023-11-17. Review status: criteria provided, single submitter. Criteria: Ambry Variant Classification Scheme 2023. Collection method: clinical testing. Allele origin: germline.

Department of Pathology and Laboratory Medicine, Sinai Health System
Classification: Likely benign. Review status: no assertion criteria provided. Collection method: clinical testing. Allele origin: unknown. Affected: yes. Study: The Canadian Open Genetics Repository (COGR). Not counted in ClinVar's aggregate classification.
Comment: The MAGEL2 p.Pro641Arg variant was not identified in the literature nor was it identified in ClinVar or LOVD 3.0. The variant was identified in dbSNP (ID: rs556296973) and in control databases in 26 of 224764 chromosomes at a frequency of 0.0001157 (Genome Aggregation Database March 6, 2019, v2.1.1). The variant was observed in the following populations: East Asian in 10 of 16162 chromosomes (freq: 0.000619), African in 10 of 18598 chromosomes (freq: 0.000538), South Asian in 4 of 25864 chromosomes (freq: 0.000155) and European (non-Finnish) in 2 of 98328 chromosomes (freq: 0.00002), but was not observed in the Latino, Ashkenazi Jewish, European (Finnish) or Other populations. Computational analyses (PolyPhen-2, BLOSUM, MutationTaster) do not suggest a high likelihood of impact to the protein; however this information is not predictive enough to rule out pathogenicity. In summary, based on the above information the clinical significance of this variant cannot be determined with certainty at this time although we would lean towards a more benign role for this variant. This variant is classified as likely benign.

NM_019066.5(MAGEL2):c.1922C>G (p.Pro641Arg)

Gene: MAGEL2 (MAGE family member L2; minus strand). Cytogenetic location: 15q11.2.
Variant type: single nucleotide variant.
Coding change: c.1922C>G on transcript NM_019066.5 (MANE Select); coding-DNA position 1922, C replaced by G.
Protein change: p.Pro641Arg; replaces proline 641 with arginine.
Molecular consequence: missense variant.
Genome position (GRCh38, 1-based): chr15:23,645,821, G>C on the plus strand (C>G on the coding strand, the complement: MAGEL2 is on the minus strand). VCF-style: chr15-23645821-G-C. GRCh37 (hg19) VCF-style: chr15-23890968-G-C.
Other names: c.1922C>G (NM_019066.4); short protein forms P641R.
Identifiers: ClinVar variation 1049948 (VCV001049948.9), dbSNP rs556296973, ClinGen allele CA7429998.